The following is an entry in ClinVar:

ClinVar aggregate classification (germline): Uncertain significance. Review status: criteria provided, multiple submitters, no conflicts (2 of 4 stars). 4 submissions from 3 submitters: Uncertain significance (4). Last evaluated 2023-04-11.

Conditions:
Ectopia lentis et pupillae. Also called: ECTOPIA LENTIS WITH ECTOPIA OF PUPIL. Identifiers: Orphanet 1885, MedGen C1644196, MONDO:0009153, OMIM 225200.
Ectopia lentis 2, isolated, autosomal recessive (ECTOL2). Identifiers: Orphanet 1885, MedGen C3541474, MONDO:0009152, OMIM 225100.

Allele frequency attached by ClinVar (database versions not stated): gnomAD exomes below 0.00001; ExAC 0.00001; TOPMed 0.00001.
gnomAD v4.1: 4 of 1,614,066 alleles (0.00025%); highest among the groups gnomAD compares: South Asian, 0.0044%; no homozygotes.

Submissions (4):

Genome-Nilou Lab
Classification: Uncertain significance for Ectopia lentis et pupillae. Last evaluated: 2023-04-11. Review status: criteria provided, single submitter. Criteria: ACMG Guidelines, 2015. Collection method: clinical testing. Allele origin: germline. Affected: no.

Genome-Nilou Lab
Classification: Uncertain significance for Ectopia lentis 2, isolated, autosomal recessive. Last evaluated: 2023-04-11. Review status: criteria provided, single submitter. Criteria: ACMG Guidelines, 2015. Collection method: clinical testing. Allele origin: germline. Affected: no.

Labcorp Genetics (formerly Invitae), Labcorp
Classification: Uncertain significance. Last evaluated: 2021-12-31. Review status: criteria provided, single submitter. Criteria: Invitae Variant Classification Sherloc (09022015). Collection method: clinical testing. Allele origin: germline.
Comment: This sequence change replaces valine, which is neutral and non-polar, with isoleucine, which is neutral and non-polar, at codon 593 of the ADAMTSL4 protein (p.Val593Ile). This variant is present in population databases (rs757656099, gnomAD 0.003%). This variant has not been reported in the literature in individuals affected with ADAMTSL4-related conditions. ClinVar contains an entry for this variant (Variation ID: 292538). Algorithms developed to predict the effect of missense changes on protein structure and function output the following: SIFT: "Tolerated"; PolyPhen-2: "Benign"; Align-GVGD: "Class C0". The isoleucine amino acid residue is found in multiple mammalian species, which suggests that this missense change does not adversely affect protein function. In summary, the available evidence is currently insufficient to determine the role of this variant in disease. Therefore, it has been classified as a Variant of Uncertain Significance.

Illumina Laboratory Services, Illumina
Classification: Uncertain significance for Ectopia lentis 2, isolated, autosomal recessive. Last evaluated: 2018-01-13. Review status: criteria provided, single submitter. Criteria: ICSL Variant Classification Criteria 13 December 2019. Collection method: clinical testing. Allele origin: germline.

NM_019032.6(ADAMTSL4):c.1777G>A (p.Val593Ile)

Genes: ADAMTSL4 (ADAMTS like 4; plus strand), ADAMTSL4-AS2 (ADAMTSL4 antisense RNA 2; minus strand). Cytogenetic location: 1q21.2.
Variant type: single nucleotide variant.
Coding change: c.1777G>A on transcript NM_019032.6 (MANE Select); coding-DNA position 1777, G replaced by A.
Protein change: p.Val593Ile; replaces valine 593 with isoleucine.
Molecular consequence: missense variant.
Genome position (GRCh38, 1-based): chr1:150,556,966, G>A. VCF-style: chr1-150556966-G-A. GRCh37 (hg19) VCF-style: chr1-150529442-G-A.
Other names: c.1846G>A, p.Val616Ile (NM_001288607.2, NM_001288608.2); c.1777G>A, p.Val593Ile (NM_001378596.1, NM_025008.5); short protein forms V593I, V616I.
Identifiers: ClinVar variation 292538 (VCV000292538.7), dbSNP rs757656099, ClinGen allele CA1078401.